The following is an entry in ClinVar:

NM_001160148.2(DDHD1):c.578C>T (p.Ala193Val)

Gene: DDHD1 (DDHD domain containing 1; minus strand). Cytogenetic location: 14q22.1.
Variant type: single nucleotide variant.
Coding change: c.578C>T on transcript NM_001160148.2 (MANE Select); coding-DNA position 578, C replaced by T.
Protein change: p.Ala193Val; replaces alanine 193 with valine.
Molecular consequence: missense variant.
Genome position (GRCh38, 1-based): chr14:53,152,521, G>A on the plus strand (C>T on the coding strand, the complement: DDHD1 is on the minus strand). VCF-style: chr14-53152521-G-A. GRCh37 (hg19) VCF-style: chr14-53619239-G-A.
Other names: c.578C>T, p.Ala193Val (NM_001160147.2, NM_030637.3); c.578C>T (NM_001160148.1); short protein forms A193V.
Identifiers: ClinVar variation 948696 (VCV000948696.10), dbSNP rs1268767392, ClinGen allele CA389780429.

ClinVar aggregate classification (germline): Uncertain significance. Review status: criteria provided, multiple submitters, no conflicts (2 of 4 stars). 2 submissions from 2 submitters: Uncertain significance (2). Last evaluated 2024-07-02.

Conditions:
Hereditary spastic paraplegia 28. Also called: Spastic paraplegia 28, autosomal recessive. Identifiers: Orphanet 101008, MedGen C1836295, MONDO:0012256, OMIM 609340.
Inborn genetic diseases. Identifiers: MedGen C0950123, MeSH D030342.

Allele frequency attached by ClinVar (database versions not stated): TOPMed below 0.00001; gnomAD 0.00001.
gnomAD v4.1: 23 of 1,613,354 alleles (0.0014%); highest among the groups gnomAD compares: Non-Finnish European, 0.0017%; no homozygotes.

Submissions (2):

Ambry Genetics
Classification: Uncertain significance for Inborn genetic diseases. Last evaluated: 2024-07-02. Review status: criteria provided, single submitter. Criteria: Ambry Variant Classification Scheme 2023. Collection method: clinical testing. Allele origin: germline.

Labcorp Genetics (formerly Invitae), Labcorp
Classification: Uncertain significance for Hereditary spastic paraplegia 28. Last evaluated: 2019-07-01. Review status: criteria provided, single submitter. Criteria: Invitae Variant Classification Sherloc (09022015). Collection method: clinical testing. Allele origin: germline.
Comment: In summary, the available evidence is currently insufficient to determine the role of this variant in disease. Therefore, it has been classified as a Variant of Uncertain Significance. Algorithms developed to predict the effect of missense changes on protein structure and function do not agree on the potential impact of this missense change (SIFT: "Tolerated"; PolyPhen-2: "Possibly Damaging"; Align-GVGD: "Class C0"). This variant has not been reported in the literature in individuals with DDHD1-related disease. This variant is not present in population databases (ExAC no frequency). This sequence change replaces alanine with valine at codon 193 of the DDHD1 protein (p.Ala193Val). The alanine residue is moderately conserved and there is a small physicochemical difference between alanine and valine.